The following is an entry in ClinVar:

ClinVar aggregate classification (germline): Uncertain significance. Review status: criteria provided, multiple submitters, no conflicts (2 of 4 stars). 2 submissions from 2 submitters: Uncertain significance (2). Last evaluated 2023-01-19.

gnomAD v4.1: 3 of 1,613,946 alleles (0.00019%); highest among the groups gnomAD compares: Non-Finnish European, 0.00025%; no homozygotes.

Submissions (2):

Centre of Medical Genetics, University Hospital Muenster
Classification: Uncertain significance. Last evaluated: 2023-01-19. Review status: criteria provided, single submitter. Criteria: ACMG Guidelines, 2015. Collection method: clinical testing. Allele origin: unknown. Affected: yes. Observed: 1 variant allele, 1 heterozygote.
Comment: ACMG categories: PM1,PM2

Labcorp Genetics (formerly Invitae), Labcorp
Classification: Uncertain significance. Last evaluated: 2022-12-06. Review status: criteria provided, single submitter. Criteria: Invitae Variant Classification Sherloc (09022015). Collection method: clinical testing. Allele origin: germline.
Comment: This sequence change replaces phenylalanine, which is neutral and non-polar, with leucine, which is neutral and non-polar, at codon 224 of the TNFAIP3 protein (p.Phe224Leu). This variant is present in population databases (no rsID available, gnomAD 0.003%). In summary, the available evidence is currently insufficient to determine the role of this variant in disease. Therefore, it has been classified as a Variant of Uncertain Significance. Advanced modeling of protein sequence and biophysical properties (such as structural, functional, and spatial information, amino acid conservation, physicochemical variation, residue mobility, and thermodynamic stability) performed at Invitae indicates that this missense variant is not expected to disrupt TNFAIP3 protein function. This variant has not been reported in the literature in individuals affected with TNFAIP3-related conditions.

NM_001270508.2(TNFAIP3):c.672C>A (p.Phe224Leu)

Genes: TNFAIP3 (TNF alpha induced protein 3; plus strand), LOC126859807 (MED14-independent group 3 enhancer GRCh37_chr6:138196296-138197495; plus strand). Cytogenetic location: 6q23.3.
Variant type: single nucleotide variant.
Coding change: c.672C>A on transcript NM_001270508.2 (MANE Select); coding-DNA position 672, C replaced by A.
Protein change: p.Phe224Leu; replaces phenylalanine 224 with leucine.
Molecular consequence: missense variant.
Genome position (GRCh38, 1-based): chr6:137,876,033, C>A. VCF-style: chr6-137876033-C-A. GRCh37 (hg19) VCF-style: chr6-138197170-C-A.
Other names: c.672C>A, p.Phe224Leu (NM_001270507.2, NM_006290.4); short protein forms F224L.
Identifiers: ClinVar variation 2083357 (VCV002083357.6), dbSNP rs370381369, ClinGen allele CA365784131.